The following is an entry in ClinVar:

ClinVar aggregate classification (germline): Uncertain significance (1 of 4 stars; one submission).

Submission:

Labcorp Genetics (formerly Invitae), Labcorp
Classification: Uncertain significance. Last evaluated: 2025-10-28. Review status: criteria provided, single submitter. Criteria: Invitae Variant Classification Sherloc (09022015). Collection method: clinical testing. Allele origin: germline.
Comment: This sequence change replaces arginine, which is basic and polar, with leucine, which is neutral and non-polar, at codon 332 of the KRT83 protein (p.Arg332Leu). This variant is not present in population databases (gnomAD no frequency). This variant has not been reported in the literature in individuals affected with KRT83-related conditions. Invitae Evidence Modeling of protein sequence and biophysical properties (such as structural, functional, and spatial information, amino acid conservation, physicochemical variation, residue mobility, and thermodynamic stability) indicates that this missense variant is not expected to disrupt KRT83 protein function with a negative predictive value of 80%. In summary, the available evidence is currently insufficient to determine the role of this variant in disease. Therefore, it has been classified as a Variant of Uncertain Significance.

NM_002282.3(KRT83):c.995G>T (p.Arg332Leu)

Gene: KRT83 (keratin 83; minus strand). Cytogenetic location: 12q13.13.
Variant type: single nucleotide variant.
Coding change: c.995G>T on transcript NM_002282.3 (MANE Select); coding-DNA position 995, G replaced by T.
Protein change: p.Arg332Leu; replaces arginine 332 with leucine.
Molecular consequence: missense variant.
Genome position (GRCh38, 1-based): chr12:52,316,514, C>A on the plus strand (G>T on the coding strand, the complement: KRT83 is on the minus strand). VCF-style: chr12-52316514-C-A. GRCh37 (hg19) VCF-style: chr12-52710298-C-A.
Other names: short protein forms R332L.
Identifiers: ClinVar variation 4806990 (VCV004806990.1).
Genomic context (GRCh38, chr12:52,316,514, plus strand): 5'-CCGGGCTCTGGTACCTGGCACTTGGCATTCTCCACCTCGGCTGTCAGCCTCTGGATCATG[C>A]GGTTCAGCTCGTTGATCTCCTCCTTGGTGCGGCGCAGGGTCTCCCCGTGCCTGATCACTG-3'
Protein context (NP_002273.3, residues 322-342): RTKEEINELN[Arg332Leu]MIQRLTAEVE